The following is an entry in ClinVar:

ClinVar aggregate classification (germline): Uncertain significance (1 of 4 stars; one submission).

Allele frequency attached by ClinVar (database versions not stated): ExAC 0.00002; gnomAD 0.00002; gnomAD exomes 0.00002; TOPMed 0.00002; ESP Exome Variant Server 0.00008.
gnomAD v4.1: 26 of 1,613,982 alleles (0.0016%); highest among the groups gnomAD compares: Non-Finnish European, 0.0021%; no homozygotes.

Submission:

Labcorp Genetics (formerly Invitae), Labcorp
Classification: Uncertain significance. Last evaluated: 2025-04-14. Review status: criteria provided, single submitter. Criteria: Invitae Variant Classification Sherloc (09022015). Collection method: clinical testing. Allele origin: germline.
Comment: This sequence change replaces lysine, which is basic and polar, with arginine, which is basic and polar, at codon 372 of the HPS3 protein (p.Lys372Arg). This variant is present in population databases (rs374685364, gnomAD 0.005%). This variant has not been reported in the literature in individuals affected with HPS3-related conditions. ClinVar contains an entry for this variant (Variation ID: 2139351). Invitae Evidence Modeling of protein sequence and biophysical properties (such as structural, functional, and spatial information, amino acid conservation, physicochemical variation, residue mobility, and thermodynamic stability) indicates that this missense variant is not expected to disrupt HPS3 protein function with a negative predictive value of 80%. In summary, the available evidence is currently insufficient to determine the role of this variant in disease. Therefore, it has been classified as a Variant of Uncertain Significance.

NM_032383.5(HPS3):c.1115A>G (p.Lys372Arg)

Gene: HPS3 (HPS3 biogenesis of lysosomal organelles complex 2 subunit 1; plus strand). Cytogenetic location: 3q24.
Variant type: single nucleotide variant.
Coding change: c.1115A>G on transcript NM_032383.5 (MANE Select); coding-DNA position 1115, A replaced by G.
Protein change: p.Lys372Arg; replaces lysine 372 with arginine.
Molecular consequence: missense variant.
Genome position (GRCh38, 1-based): chr3:149,145,498, A>G. VCF-style: chr3-149145498-A-G. GRCh37 (hg19) VCF-style: chr3-148863285-A-G.
Other names: c.620A>G, p.Lys207Arg (NM_001308258.2); short protein forms K207R, K372R.
Identifiers: ClinVar variation 2139351 (VCV002139351.2), dbSNP rs374685364, ClinGen allele CA2659998.